The following is an entry in ClinVar:

NM_020964.3(EPG5):c.1009G>A (p.Gly337Ser)

Gene: EPG5 (ectopic P-granules 5 autophagy tethering factor; minus strand). Cytogenetic location: 18q21.1.
Variant type: single nucleotide variant.
Coding change: c.1009G>A on transcript NM_020964.3 (MANE Select); coding-DNA position 1009, G replaced by A.
Protein change: p.Gly337Ser; replaces glycine 337 with serine.
Molecular consequence: missense variant.
Genome position (GRCh38, 1-based): chr18:45,952,643, C>T on the plus strand (G>A on the coding strand, the complement: EPG5 is on the minus strand). VCF-style: chr18-45952643-C-T. GRCh37 (hg19) VCF-style: chr18-43532609-C-T.
Other names: short protein forms G337S.
Identifiers: ClinVar variation 968961 (VCV000968961.8), dbSNP rs1195446026, ClinGen allele CA402350469.

ClinVar aggregate classification (germline): Uncertain significance (1 of 4 stars; one submission).

Conditions:
Vici syndrome (VICIS). Identifiers: Orphanet 1493, MedGen C1855772, MONDO:0009452, OMIM 242840.

Allele frequency attached by ClinVar (database versions not stated): gnomAD exomes below 0.00001; TOPMed 0.00002; gnomAD 0.00004 and 0.00005.
gnomAD v4.1: 10 of 1,613,274 alleles (0.00062%); highest among the groups gnomAD compares: African/African-American, 0.0094%; no homozygotes.

Submission:

Labcorp Genetics (formerly Invitae), Labcorp
Classification: Uncertain significance for Vici syndrome. Last evaluated: 2022-08-09. Review status: criteria provided, single submitter. Criteria: Invitae Variant Classification Sherloc (09022015). Collection method: clinical testing. Allele origin: germline.
Comment: This sequence change replaces glycine, which is neutral and non-polar, with serine, which is neutral and polar, at codon 337 of the EPG5 protein (p.Gly337Ser). This variant is present in population databases (no rsID available, gnomAD 0.02%). This variant has not been reported in the literature in individuals affected with EPG5-related conditions. ClinVar contains an entry for this variant (Variation ID: 968961). Algorithms developed to predict the effect of missense changes on protein structure and function are either unavailable or do not agree on the potential impact of this missense change (SIFT: "Deleterious"; PolyPhen-2: "Probably Damaging"; Align-GVGD: "Class C0"). In summary, the available evidence is currently insufficient to determine the role of this variant in disease. Therefore, it has been classified as a Variant of Uncertain Significance.